The following is an entry in ClinVar:

ClinVar aggregate classification (germline): Likely pathogenic (1 of 4 stars; one submission).

Conditions:
Polycystic kidney disease, adult type (PKD1). Also called: Polycystic Kidney Disease 1, Autosomal Dominant; Polycystic kidney disease 1; Polycystic kidney disease 1, severe; Polycystic Kidney, Autosomal Dominant; POLYCYSTIC KIDNEY DISEASE 1 WITH OR WITHOUT POLYCYSTIC LIVER DISEASE; POLYCYSTIC KIDNEY DISEASE, ADULT, TYPE I. Identifiers: MedGen C3149841, MONDO:0008263, OMIM 173900.

Submission:

MVZ Medizinische Genetik Mainz
Classification: Likely pathogenic for Polycystic kidney disease, adult type. Last evaluated: 2025-05-08. Review status: criteria provided, single submitter. Criteria: UK Practice Guidelines For Variant Classification V4 01 2020. Collection method: clinical testing. Allele origin: germline. Inheritance: Autosomal dominant inheritance. Affected: yes. Observed: 1 variant allele.
Comment: ACMG Criteria: PM5,PP3_MOD,PM2_SUP,PP4

NM_001009944.3(PKD1):c.4240T>G (p.Trp1414Gly)

Gene: PKD1 (polycystin 1, transient receptor potential channel interacting; minus strand). Cytogenetic location: 16p13.3.
Variant type: single nucleotide variant.
Coding change: c.4240T>G on transcript NM_001009944.3 (MANE Select); coding-DNA position 4240, T replaced by G.
Protein change: p.Trp1414Gly; replaces tryptophan 1414 with glycine.
Molecular consequence: missense variant.
Genome position (GRCh38, 1-based): chr16:2,110,927, A>C on the plus strand (T>G on the coding strand, the complement: PKD1 is on the minus strand). VCF-style: chr16-2110927-A-C. GRCh37 (hg19) VCF-style: chr16-2160928-A-C.
Other names: c.4240T>G, p.Trp1414Gly (NM_000296.4); short protein forms W1414G.
Identifiers: ClinVar variation 3900717 (VCV003900717.1).